The following is an entry in ClinVar:

ClinVar aggregate classification (germline): Uncertain significance (1 of 4 stars; one submission).

Submission:

Labcorp Genetics (formerly Invitae), Labcorp
Classification: Uncertain significance. Last evaluated: 2023-10-29. Review status: criteria provided, single submitter. Criteria: Invitae Variant Classification Sherloc (09022015). Collection method: clinical testing. Allele origin: germline.
Comment: This sequence change replaces histidine, which is basic and polar, with leucine, which is neutral and non-polar, at codon 734 of the DNM1L protein (p.His734Leu). This variant is not present in population databases (gnomAD no frequency). This variant has not been reported in the literature in individuals affected with DNM1L-related conditions. An algorithm developed to predict the effect of missense changes on protein structure and function (PolyPhen-2) suggests that this variant is likely to be disruptive. In summary, the available evidence is currently insufficient to determine the role of this variant in disease. Therefore, it has been classified as a Variant of Uncertain Significance.

NM_012062.5(DNM1L):c.2201A>T (p.His734Leu)

Gene: DNM1L (dynamin 1 like; plus strand). Cytogenetic location: 12p11.21.
Variant type: single nucleotide variant.
Coding change: c.2201A>T on transcript NM_012062.5 (MANE Select); coding-DNA position 2201, A replaced by T.
Protein change: p.His734Leu; replaces histidine 734 with leucine.
Molecular consequence: missense variant.
Genome position (GRCh38, 1-based): chr12:32,743,400, A>T. VCF-style: chr12-32743400-A-T. GRCh37 (hg19) VCF-style: chr12-32896334-A-T.
Other names: c.2168A>T, p.His723Leu (NM_001278463.2); c.2240A>T, p.His747Leu (NM_001278464.2); c.2207A>T, p.His736Leu (NM_001278465.2); c.1592A>T, p.His531Leu (NM_001278466.2); c.2129A>T, p.His710Leu (NM_001330380.2); c.2090A>T, p.His697Leu (NM_005690.5); c.2123A>T, p.His708Leu (NM_012063.4); short protein forms H734L, H531L, H723L, H747L, H697L, H708L, H710L, H736L.
Identifiers: ClinVar variation 2762152 (VCV002762152.3), dbSNP rs2541139395, ClinGen allele CA384366504.